The following is an entry in ClinVar:

NM_002439.5(MSH3):c.1540A>C (p.Asn514His)

Gene: MSH3 (mutS homolog 3; plus strand). Cytogenetic location: 5q14.1.
Variant type: single nucleotide variant.
Coding change: c.1540A>C on transcript NM_002439.5 (MANE Select); coding-DNA position 1540, A replaced by C.
Protein change: p.Asn514His; replaces asparagine 514 with histidine.
Molecular consequence: missense variant.
Genome position (GRCh38, 1-based): chr5:80,728,937, A>C. VCF-style: chr5-80728937-A-C. GRCh37 (hg19) VCF-style: chr5-80024756-A-C.
Other names: short protein forms N514H.
Identifiers: ClinVar variation 1026163 (VCV001026163.9), dbSNP rs1743354241, ClinGen allele CA360274325.

ClinVar aggregate classification (germline): Uncertain significance (1 of 4 stars; one submission).

Submission:

Labcorp Genetics (formerly Invitae), Labcorp
Classification: Uncertain significance. Last evaluated: 2023-05-31. Review status: criteria provided, single submitter. Criteria: Invitae Variant Classification Sherloc (09022015). Collection method: clinical testing. Allele origin: germline.
Comment: This sequence change replaces asparagine, which is neutral and polar, with histidine, which is basic and polar, at codon 514 of the MSH3 protein (p.Asn514His). In summary, the available evidence is currently insufficient to determine the role of this variant in disease. Therefore, it has been classified as a Variant of Uncertain Significance. An algorithm developed to predict the effect of missense changes on protein structure and function (PolyPhen-2) suggests that this variant is likely to be tolerated. ClinVar contains an entry for this variant (Variation ID: 1026163). This variant has not been reported in the literature in individuals affected with MSH3-related conditions. This variant is not present in population databases (gnomAD no frequency).